The following is an entry in ClinVar:

ClinVar aggregate classification (germline): Benign (1 of 4 stars; one submission).

Allele frequency attached by ClinVar (database versions not stated): 1000 Genomes Project 0.67971; 1000 Genomes Project 30x 0.68223; TOPMed 0.68944; gnomAD 0.69712 and 0.70201.
gnomAD v4.1: 105,787 of 151,900 alleles (70%); highest among the groups gnomAD compares: African/African-American, 79%; 37,133 homozygotes.

Submission:

GeneDx
Classification: Benign. Last evaluated: 2018-06-18. Review status: criteria provided, single submitter. Criteria: GeneDx Variant Classification (06012015). Collection method: clinical testing. Allele origin: germline. Affected: yes.
Comment: This variant is considered likely benign or benign based on one or more of the following criteria: it is a conservative change, it occurs at a poorly conserved position in the protein, it is predicted to be benign by multiple in silico algorithms, and/or has population frequency not consistent with disease.

NM_001035.3(RYR2):c.2822+164T>C

Gene: RYR2 (ryanodine receptor 2; plus strand). Cytogenetic location: 1q43.
Variant type: single nucleotide variant.
Coding change: c.2822+164T>C on transcript NM_001035.3 (MANE Select); 164 bases into the intron after coding-DNA position 2822, T replaced by C.
Molecular consequence: intron variant.
Genome position (GRCh38, 1-based): chr1:237,511,955, T>C. VCF-style: chr1-237511955-T-C. GRCh37 (hg19) VCF-style: chr1-237675255-T-C.
Identifiers: ClinVar variation 671747 (VCV000671747.1), dbSNP rs2618651, ClinGen allele CA15075363.
Genomic context (GRCh38, chr1:237,511,955, plus strand): 5'-GTGATTTTTAATTCCAGCTAGAACTTTTTATAATGCATAAGTGGATTGGATCAGTATTTG[T>C]TGAGAATAAGACTTTGACCCTGTTAATTTATGTCCTCTTGTTCTACATCAGTATTTTGCA-3'